The following is an entry in ClinVar:

ClinVar aggregate classification (germline): Pathogenic (1 of 4 stars; one submission).

Conditions:
Sterile multifocal osteomyelitis with periostitis and pustulosis. Also called: CHRONIC RECURRENT MULTIFOCAL OSTEOMYELITIS 2, WITH PERIOSTITIS AND PUSTULOSIS. Identifiers: Orphanet 210115, MedGen C2748507, MONDO:0013021, OMIM 612852.

Submission:

Labcorp Genetics (formerly Invitae), Labcorp
Classification: Pathogenic for Sterile multifocal osteomyelitis with periostitis and pustulosis. Last evaluated: 2023-10-03. Review status: criteria provided, single submitter. Criteria: Invitae Variant Classification Sherloc (09022015). Collection method: clinical testing. Allele origin: germline.
Comment: This sequence change creates a premature translational stop signal (p.Glu18*) in the IL1RN gene. It is expected to result in an absent or disrupted protein product. Loss-of-function variants in IL1RN are known to be pathogenic (PMID: 19494218, 21792839, 22940634, 26100510). This variant is not present in population databases (gnomAD no frequency). This variant has not been reported in the literature in individuals affected with IL1RN-related conditions. Algorithms developed to predict the effect of sequence changes on RNA splicing suggest that this variant may disrupt the consensus splice site. For these reasons, this variant has been classified as Pathogenic.

Literature cited by the submitters: PubMed 19494218; PubMed 21792839; PubMed 22940634; PubMed 26100510.

NM_173841.3(IL1RN):c.52G>T (p.Glu18Ter)

Gene: IL1RN (interleukin 1 receptor antagonist; plus strand). Cytogenetic location: 2q14.1.
Variant type: single nucleotide variant.
Coding change: c.52G>T on transcript NM_173841.3; coding-DNA position 52, G replaced by T.
Protein change: p.Glu18Ter; replaces glutamic acid 18 with a stop codon.
Molecular consequence: nonsense. On other transcripts: 5 prime UTR variant (1), intron variant (2).
Genome position (GRCh38, 1-based): chr2:113,120,107, G>T. VCF-style: chr2-113120107-G-T. GRCh37 (hg19) VCF-style: chr2-113877684-G-T.
Other names: c.-231G>T (NM_001318914.2); c.-209-1341G>T (NM_173843.3); c.10+2079G>T (NM_000577.5); short protein forms E18*.
Identifiers: ClinVar variation 2731291 (VCV002731291.3), dbSNP rs2466916722, ClinGen allele CA348292716.